The following is an entry in ClinVar:

NM_001288705.3(CSF1R):c.2180G>A (p.Arg727Lys)

Gene: CSF1R (colony stimulating factor 1 receptor; minus strand). Cytogenetic location: 5q32.
Variant type: single nucleotide variant.
Coding change: c.2180G>A on transcript NM_001288705.3 (MANE Select); coding-DNA position 2180, G replaced by A.
Protein change: p.Arg727Lys; replaces arginine 727 with lysine.
Molecular consequence: missense variant. On other transcripts: non-coding transcript variant (2).
Genome position (GRCh38, 1-based): chr5:150,057,545, C>T on the plus strand (G>A on the coding strand, the complement: CSF1R is on the minus strand). VCF-style: chr5-150057545-C-T. GRCh37 (hg19) VCF-style: chr5-149437108-C-T.
Other names: c.2180G>A, p.Arg727Lys (NM_001349736.2, NM_001375320.1, NM_005211.4); c.1736G>A, p.Arg579Lys (NM_001375321.1); short protein forms R579K, R727K.
Identifiers: ClinVar variation 1352401 (VCV001352401.6), dbSNP rs1240901881, ClinGen allele CA361760636.
Genomic context (GRCh38, chr5:150,057,545, plus strand): 5'-GGCCCTGGGACCTCCTCACCTTGCTCAGAGAAGGAGTCATTTGAAGAAGTGGAGACAGGC[C>T]TCATCTCCACATAGGTGTCCACACCCTGGCTGGAGAAGCCACTGTCCCTACATAGGAGAG-3'
Protein context (NP_001275634.1, residues 717-737): SQGVDTYVEM[Arg727Lys]PVSTSSNDSF

ClinVar aggregate classification (germline): Uncertain significance (1 of 4 stars; one submission).

Allele frequency attached by ClinVar (database versions not stated): gnomAD exomes below 0.00001; TOPMed 0.00001.
gnomAD v4.1: 1 of 1,614,232 alleles (0.000062%); highest among the groups gnomAD compares: Non-Finnish European, 0.000085%; no homozygotes.

Submission:

Labcorp Genetics (formerly Invitae), Labcorp
Classification: Uncertain significance. Last evaluated: 2023-05-22. Review status: criteria provided, single submitter. Criteria: Invitae Variant Classification Sherloc (09022015). Collection method: clinical testing. Allele origin: germline.
Comment: This sequence change replaces arginine, which is basic and polar, with lysine, which is basic and polar, at codon 727 of the CSF1R protein (p.Arg727Lys). In summary, the available evidence is currently insufficient to determine the role of this variant in disease. Therefore, it has been classified as a Variant of Uncertain Significance. Advanced modeling of protein sequence and biophysical properties (such as structural, functional, and spatial information, amino acid conservation, physicochemical variation, residue mobility, and thermodynamic stability) performed at Invitae indicates that this missense variant is not expected to disrupt CSF1R protein function. ClinVar contains an entry for this variant (Variation ID: 1352401). This variant has not been reported in the literature in individuals affected with CSF1R-related conditions. This variant is not present in population databases (gnomAD no frequency).